The following is an entry in ClinVar:

ClinVar aggregate classification (germline): Uncertain significance. Review status: criteria provided, multiple submitters, no conflicts (2 of 4 stars). 6 submissions from 5 submitters: Uncertain significance (6). Last evaluated 2025-01-30.

Conditions:
Retinitis pigmentosa 39 (RP39). Identifiers: Orphanet 791, MedGen C3151138, MONDO:0013436, OMIM 613809.
Usher syndrome type 2A. Also called: RETINAL DISEASE IN USHER SYNDROME TYPE IIA, MODIFIER OF; USHER SYNDROME, TYPE IIA. Identifiers: Orphanet 231178, Orphanet 886, MedGen C1848634, MONDO:0010169, OMIM 276901.

Allele frequency attached by ClinVar (database versions not stated): gnomAD exomes below 0.00001; ExAC 0.00001.
gnomAD v4.1: 4 of 1,613,850 alleles (0.00025%); highest among the groups gnomAD compares: South Asian, 0.0044%; no homozygotes.

Submissions (6):

Dasa
Classification: Uncertain significance. Last evaluated: 2025-01-30. Review status: criteria provided, single submitter. Criteria: DASA Assertion Criteria. Collection method: clinical testing. Allele origin: germline.
Comment: NM_206933.4(USH2A):c.5775A>G (p.Thr1925=) is a synonymous variant predicted not to alter the encoded amino acid sequence. This variant has been observed in affected individuals with USH2A-related disorders. Also, this variant is rare in population databases. The currently available literature and clinical evidence are not sufficient to establish a definitive association between this variant and the reported condition. Therefore, this variant is classified as a variant of uncertain significance.

Labcorp Genetics (formerly Invitae), Labcorp
Classification: Uncertain significance. Last evaluated: 2024-12-09. Review status: criteria provided, single submitter. Criteria: Invitae Variant Classification Sherloc (09022015). Collection method: clinical testing. Allele origin: germline.
Comment: This sequence change affects codon 1925 of the USH2A mRNA. It is a 'silent' change, meaning that it does not change the encoded amino acid sequence of the USH2A protein. It affects a nucleotide within the consensus splice site. This variant is present in population databases (rs747419030, gnomAD 0.003%). This variant has not been reported in the literature in individuals affected with USH2A-related conditions. ClinVar contains an entry for this variant (Variation ID: 866768). Algorithms developed to predict the effect of sequence changes on RNA splicing suggest that this variant is not likely to affect RNA splicing. In summary, the available evidence is currently insufficient to determine the role of this variant in disease. Therefore, it has been classified as a Variant of Uncertain Significance.

Revvity Omics, Revvity
Classification: Uncertain significance. Last evaluated: 2024-09-10. Review status: criteria provided, single submitter. Criteria: ACMG Guidelines, 2015. Collection method: clinical testing. Allele origin: germline.

Genome-Nilou Lab
Classification: Uncertain significance for Retinitis pigmentosa 39. Last evaluated: 2023-11-04. Review status: criteria provided, single submitter. Criteria: ACMG Guidelines, 2015. Collection method: clinical testing. Allele origin: germline. Affected: no.

Genome-Nilou Lab
Classification: Uncertain significance for Usher syndrome type 2A. Last evaluated: 2023-11-04. Review status: criteria provided, single submitter. Criteria: ACMG Guidelines, 2015. Collection method: clinical testing. Allele origin: germline. Affected: no.

Blueprint Genetics
Classification: Uncertain significance. Last evaluated: 2018-06-06. Review status: criteria provided, single submitter. Criteria: ACMG Guidelines, 2015. Collection method: clinical testing. Allele origin: germline.

NM_206933.4(USH2A):c.5775A>G (p.Thr1925=)

Genes: USH2A (usherin; minus strand), USH2A-AS2 (USH2A antisense RNA 2; plus strand). Cytogenetic location: 1q41.
Variant type: single nucleotide variant.
Coding change: c.5775A>G on transcript NM_206933.4 (MANE Select); coding-DNA position 5775, A replaced by G.
Protein change: p.Thr1925=; no amino-acid change (threonine 1925 retained).
Molecular consequence: synonymous variant.
Genome position (GRCh38, 1-based): chr1:216,073,098, T>C on the plus strand (A>G on the coding strand, the complement: USH2A is on the minus strand). VCF-style: chr1-216073098-T-C. GRCh37 (hg19) VCF-style: chr1-216246440-T-C.
Other names: c.5775A>G (NM_206933.3).
Identifiers: ClinVar variation 866768 (VCV000866768.10), dbSNP rs747419030, ClinGen allele CA1395367.